The following is an entry in ClinVar:

NM_001352890.3(DENND3):c.2160del (p.Lys720fs)

Gene: DENND3 (DENN domain containing 3; plus strand). Cytogenetic location: 8q24.3.
Variant type: Deletion.
Coding change: c.2160del on transcript NM_001352890.3 (MANE Select); coding-DNA position 2160, one base deleted (G; older notation c.2160delG).
Protein change: p.Lys720fs; shifts the reading frame from lysine 720.
Molecular consequence: frameshift variant. On other transcripts: non-coding transcript variant (1).
Genome position (GRCh38, 1-based): chr8:141,168,410, G deleted. VCF-style (leftmost placement, unchanged base first): chr8-141168409-AG-A. GRCh37 (hg19) VCF-style: chr8-142178508-AG-A.
Other names: c.2160del, p.Lys720fs (NM_001362798.2); c.1959del, p.Lys653fs (NM_014957.5); short protein forms K720fs, K653fs.
Identifiers: ClinVar variation 375278 (VCV000375278.1), dbSNP rs1057519052, ClinGen allele CA16044030.
Genomic context (GRCh38, chr8:141,168,409, plus strand): 5'-TCATCAGCGAGATCCTGGACAAGCCGCACGAGGCCTCGAAGCTGGACGACCACGTGAAGA[AG>A]TTCAAGCTGCCCAAGAAGCACATGCAGCTGGGCGACTTCATGAAGCGGGTCCAGGAGTCA-3'

ClinVar aggregate classification (germline): Likely pathogenic (0 of 4 stars; one submission).

Conditions:
Hirschsprung disease, susceptibility to, 1 (HSCR1). Also called: RET-Related Hirschsprung Disease. Identifiers: Orphanet 388, MedGen C3888239, MONDO:0007723, OMIM 142623.

Submission:

Centre for Genomic Sciences, University of Hong Kong
Classification: Likely pathogenic for Hirschsprung disease, susceptibility to, 1. Last evaluated: 2016-09-26. Review status: no assertion criteria provided. Collection method: in vivo. Allele origin: not applicable. Inheritance: Autosomal dominant inheritance.
Comment: Frameshift deletion